The following is an entry in ClinVar:

NM_016589.4(TIMMDC1):c.631_635delinsTAGTT (p.Lys211_Tyr212delinsTer)

Gene: TIMMDC1 (translocase of inner mitochondrial membrane domain containing 1; plus strand). Cytogenetic location: 3q13.33.
Variant type: Indel.
Coding change: c.631_635delinsTAGTT on transcript NM_016589.4 (MANE Select); coding-DNA positions 631 to 635, AAGTA replaced by TAGTT.
Protein change: p.Lys211_Tyr212delinsTer.
Molecular consequence: nonsense.
Genome position (GRCh38, 1-based): chr3:119,517,239-119,517,243, AAGTA replaced by TAGTT. VCF-style: chr3-119517239-AAGTA-TAGTT. GRCh37 (hg19) VCF-style: chr3-119236086-AAGTA-TAGTT.
Other names: c.229_233delinsTAGTT, p.Lys77_Tyr78delinsTer (NM_001438040.1).
Identifiers: ClinVar variation 4848998 (VCV004848998.1).
Genomic context (GRCh38, chr3:119,517,239, plus strand): 5'-AAGCTTTCCCTCTCCTTTCTTCTCAGCACTCCTGTAGGAGGCCTGCTGATGGCATTTCAG[AAGTA>TAGTT]CTCTGGTGAGACTGTTCAGGAAAGAAAACAGAAGGATCGAAAGGCACTCCATGAGCTAAA-3'

ClinVar aggregate classification (germline): Pathogenic (1 of 4 stars; one submission).

Conditions:
Mitochondrial complex I deficiency, nuclear type 31. Also called: Mitochondrial complex 1 deficiency, nuclear type 31. Identifiers: MedGen C4748838, MONDO:0032634, OMIM 618251.

Submission:

Women's Health and Genetics/Laboratory Corporation of America, LabCorp
Classification: Pathogenic for Mitochondrial complex I deficiency, nuclear type 31. Last evaluated: 2026-04-01. Review status: criteria provided, single submitter. Criteria: LabCorp Variant Classification Summary - May 2015. Collection method: clinical testing. Allele origin: germline.
Comment: Variant summary: TIMMDC1 c.631_635delinsTAGTT (p.Lys211X) results in a premature termination codon, predicted to cause a truncation of the encoded protein or absence of the protein due to nonsense mediated decay, which are commonly known mechanisms for disease. The variant was absent in 251170 control chromosomes. To our knowledge, no occurrence of c.631_635delinsTAGTT in individuals affected with TIMMDC1-related conditions and no experimental evidence demonstrating its impact on protein function have been reported. No submitters have cited clinical-significance assessments for this variant to ClinVar. Based on the evidence outlined above, the variant was classified as pathogenic.